The following is an entry in ClinVar:

ClinVar aggregate classification (germline): Uncertain significance (1 of 4 stars; one submission).

Conditions:
POLD1-related polyposis and colorectal cancer syndrome (CRCS10). Also called: Colorectal cancer 10; COLORECTAL CANCER, SUSCEPTIBILITY TO, ON CHROMOSOME 19q; Colorectal cancer, susceptibility to, 10. Identifiers: Orphanet 220460, MedGen C2675481, MONDO:0012953, OMIM 612591.

Submission:

Labcorp Genetics (formerly Invitae), Labcorp
Classification: Uncertain significance for POLD1-related polyposis and colorectal cancer syndrome. Last evaluated: 2019-08-02. Review status: criteria provided, single submitter. Criteria: Invitae Variant Classification Sherloc (09022015). Collection method: clinical testing. Allele origin: germline.
Comment: In summary, the available evidence is currently insufficient to determine the role of this variant in disease. Therefore, it has been classified as a Variant of Uncertain Significance. Nucleotide substitutions within the consensus splice site are a relatively common cause of aberrant splicing (PMID: 17576681, 9536098). Algorithms developed to predict the effect of sequence changes on RNA splicing suggest that this variant is not likely to affect RNA splicing, but this prediction has not been confirmed by published transcriptional studies. This variant has not been reported in the literature in individuals with POLD1-related conditions. This variant is not present in population databases (ExAC no frequency). This sequence change falls in intron 9 of the POLD1 gene. It does not directly change the encoded amino acid sequence of the POLD1 protein, but it affects a nucleotide within the consensus splice site of the intron.

Literature cited by the submitters: PubMed 17576681; PubMed 9536098.

NM_002691.4(POLD1):c.1138-4_1138-3dup

Gene: POLD1 (DNA polymerase delta 1, catalytic subunit; plus strand). Cytogenetic location: 19q13.33.
Variant type: Duplication.
Coding change: c.1138-4_1138-3dup on transcript NM_002691.4 (MANE Select); 4 bases into the intron before coding-DNA position 1138 through 3 bases into the intron before coding-DNA position 1138, 2 bases duplicated (CC; older notation c.1138-4_1138-3dupCC).
Molecular consequence: intron variant.
Genome position (GRCh38, 1-based): chr19:50,403,489-50,403,490, CC duplicated; duplicating any 2 consecutive bases within chr19:50,403,486-50,403,490 gives the same sequence; the c. name uses the placement nearest the transcript's 3' end. VCF-style (leftmost placement, unchanged base first): chr19-50403485-A-ACC. GRCh37 (hg19) VCF-style: chr19-50906742-A-ACC.
Other names: c.1138-4_1138-3dup (NM_001256849.1, NM_001308632.1).
Identifiers: ClinVar variation 958425 (VCV000958425.9), dbSNP rs2038744861, ClinGen allele CA1139666555.